The following is an entry in ClinVar:

ClinVar aggregate classification (germline): Likely benign (0 of 4 stars; one submission).

Conditions:
CELSR3-related disorder. Also called: CELSR3-related condition.

Allele frequency attached by ClinVar (database versions not stated): ESP Exome Variant Server 0.00039; ExAC 0.00047; gnomAD 0.00051; gnomAD exomes 0.00062; TOPMed 0.00078; 1000 Genomes Project 0.00080; 1000 Genomes Project 30x 0.00094.
gnomAD v4.1: 985 of 1,612,704 alleles (0.061%); highest among the groups gnomAD compares: Admixed American, 0.18%; 1 homozygote.

Submission:

PreventionGenetics, part of Exact Sciences
Classification: Likely benign for CELSR3-related condition. Last evaluated: 2023-05-16. Review status: no assertion criteria provided. Collection method: clinical testing. Allele origin: germline.
Comment: This variant is classified as likely benign based on ACMG/AMP sequence variant interpretation guidelines (Richards et al. 2015 PMID: 25741868, with internal and published modifications).

NM_001407.3(CELSR3):c.9397G>A (p.Ala3133Thr)

Gene: CELSR3 (cadherin EGF LAG seven-pass G-type receptor 3; minus strand). Cytogenetic location: 3p21.31.
Variant type: single nucleotide variant.
Coding change: c.9397G>A on transcript NM_001407.3 (MANE Select); coding-DNA position 9397, G replaced by A.
Protein change: p.Ala3133Thr; replaces alanine 3133 with threonine.
Molecular consequence: missense variant.
Genome position (GRCh38, 1-based): chr3:48,640,188, C>T on the plus strand (G>A on the coding strand, the complement: CELSR3 is on the minus strand). VCF-style: chr3-48640188-C-T. GRCh37 (hg19) VCF-style: chr3-48677621-C-T.
Other names: short protein forms A3133T.
Identifiers: ClinVar variation 3053810 (VCV003053810.2), dbSNP rs150960747, ClinGen allele CA2383561.